The following is an entry in ClinVar:

ClinVar aggregate classification (germline): Uncertain significance (1 of 4 stars; one submission).

Conditions:
Gorlin syndrome. Also called: Nevoid Basal Cell Carcinoma Syndrome; Basal cell nevus syndrome. Identifiers: Orphanet 377, MedGen C0004779, MONDO:0007187.

Submission:

Labcorp Genetics (formerly Invitae), Labcorp
Classification: Uncertain significance for Gorlin syndrome. Last evaluated: 2022-03-17. Review status: criteria provided, single submitter. Criteria: Invitae Variant Classification Sherloc (09022015). Collection method: clinical testing. Allele origin: germline.
Comment: In summary, the available evidence is currently insufficient to determine the role of this variant in disease. Therefore, it has been classified as a Variant of Uncertain Significance. Advanced modeling of protein sequence and biophysical properties (such as structural, functional, and spatial information, amino acid conservation, physicochemical variation, residue mobility, and thermodynamic stability) performed at Invitae indicates that this missense variant is not expected to disrupt PTCH1 protein function. This variant has not been reported in the literature in individuals affected with PTCH1-related conditions. This variant is not present in population databases (gnomAD no frequency). This sequence change replaces glutamine, which is neutral and polar, with arginine, which is basic and polar, at codon 1284 of the PTCH1 protein (p.Gln1284Arg).

NM_000264.5(PTCH1):c.3851A>G (p.Gln1284Arg)

Gene: PTCH1 (patched 1; minus strand). Cytogenetic location: 9q22.32.
Variant type: single nucleotide variant.
Coding change: c.3851A>G on transcript NM_000264.5 (MANE Select); coding-DNA position 3851, A replaced by G.
Protein change: p.Gln1284Arg; replaces glutamine 1284 with arginine.
Molecular consequence: missense variant. On other transcripts: non-coding transcript variant (1).
Genome position (GRCh38, 1-based): chr9:95,447,405, T>C on the plus strand (A>G on the coding strand, the complement: PTCH1 is on the minus strand). VCF-style: chr9-95447405-T-C. GRCh37 (hg19) VCF-style: chr9-98209687-T-C.
Other names: c.3653A>G, p.Gln1218Arg (NM_001083602.3); c.3848A>G, p.Gln1283Arg (NM_001083603.3); c.3398A>G, p.Gln1133Arg (NM_001083604.3, NM_001083605.3, NM_001083606.3 and 1 more transcripts); c.3695A>G, p.Gln1232Arg (NM_001354918.2); short protein forms Q1218R, Q1133R, Q1232R, Q1283R, Q1284R.
Identifiers: ClinVar variation 2113177 (VCV002113177.4), dbSNP rs2136584104, ClinGen allele CA374110796.